The following is an entry in ClinVar:

NM_002471.4(MYH6):c.3129G>C (p.Glu1043Asp)

Gene: MYH6 (myosin heavy chain 6; minus strand). Cytogenetic location: 14q11.2.
Variant type: single nucleotide variant.
Coding change: c.3129G>C on transcript NM_002471.4 (MANE Select); coding-DNA position 3129, G replaced by C.
Protein change: p.Glu1043Asp; replaces glutamic acid 1043 with aspartic acid.
Molecular consequence: missense variant.
Genome position (GRCh38, 1-based): chr14:23,393,034, C>G on the plus strand (G>C on the coding strand, the complement: MYH6 is on the minus strand). VCF-style: chr14-23393034-C-G. GRCh37 (hg19) VCF-style: chr14-23862243-C-G.
Other names: short protein forms E1043D.
Identifiers: ClinVar variation 663705 (VCV000663705.9), dbSNP rs1049328399, ClinGen allele CA389009749.
Genomic context (GRCh38, chr14:23,393,034, plus strand): 5'-CAGCTTCAGGTCGCCCTCCAGTTTCCGCTTTGCTCGCTCCAGGTCCATGCGCACCTTCTT[C>G]TCTTGCTCTAGGGATCCCTCCAGCTGTTGGAGGGAAGAAAATAAGCAAAGTGTGGAAAAC-3'
Protein context (NP_002462.2, residues 1033-1053): VDDLEGSLEQ[Glu1043Asp]KKVRMDLERA

ClinVar aggregate classification (germline): Uncertain significance. Review status: criteria provided, single submitter (1 of 4 stars). 2 submissions from 2 submitters: Uncertain significance (1). 1 of the submissions does not count toward it. Last evaluated 2025-08-21.

Conditions:
Hypertrophic cardiomyopathy 14. Identifiers: MedGen C2750467, MONDO:0013197, OMIM 613251.
MYH6-related disorder. Also called: MYH6-related condition; MYH6-Related Disorders.

Allele frequency attached by ClinVar (database versions not stated): TOPMed below 0.00001.

Submissions (2):

Labcorp Genetics (formerly Invitae), Labcorp
Classification: Uncertain significance for Hypertrophic cardiomyopathy 14. Last evaluated: 2025-08-21. Review status: criteria provided, single submitter. Criteria: Invitae Variant Classification Sherloc (09022015). Collection method: clinical testing. Allele origin: germline.
Comment: This sequence change replaces glutamic acid, which is acidic and polar, with aspartic acid, which is acidic and polar, at codon 1043 of the MYH6 protein (p.Glu1043Asp). This variant is not present in population databases (gnomAD no frequency). This variant has not been reported in the literature in individuals affected with MYH6-related conditions. ClinVar contains an entry for this variant (Variation ID: 663705). Invitae Evidence Modeling of protein sequence and biophysical properties (such as structural, functional, and spatial information, amino acid conservation, physicochemical variation, residue mobility, and thermodynamic stability) indicates that this missense variant is not expected to disrupt MYH6 protein function with a negative predictive value of 80%. In summary, the available evidence is currently insufficient to determine the role of this variant in disease. Therefore, it has been classified as a Variant of Uncertain Significance.

PreventionGenetics, part of Exact Sciences
Classification: Uncertain significance for MYH6-related condition. Last evaluated: 2024-06-16. Review status: no assertion criteria provided. Collection method: clinical testing. Allele origin: germline. Not counted in ClinVar's aggregate classification.
Comment: The MYH6 c.3129G>C variant is predicted to result in the amino acid substitution p.Glu1043Asp. To our knowledge, this variant has not been reported in the literature or in a large population database, indicating this variant is rare. At this time, the clinical significance of this variant is uncertain due to the absence of conclusive functional and genetic evidence.